The following is an entry in ClinVar:

NM_018389.5(SLC35C1):c.847G>A (p.Val283Met)

Gene: SLC35C1 (solute carrier family 35 member C1; plus strand). Cytogenetic location: 11p11.2.
Variant type: single nucleotide variant.
Coding change: c.847G>A on transcript NM_018389.5 (MANE Select); coding-DNA position 847, G replaced by A.
Protein change: p.Val283Met; replaces valine 283 with methionine.
Molecular consequence: missense variant.
Genome position (GRCh38, 1-based): chr11:45,811,087, G>A. VCF-style: chr11-45811087-G-A. GRCh37 (hg19) VCF-style: chr11-45832638-G-A.
Other names: c.808G>A, p.Val270Met (NM_001145265.2, NM_001145266.2); short protein forms V270M, V283M.
Identifiers: ClinVar variation 2428634 (VCV002428634.4), dbSNP rs763091981, ClinGen allele CA5958347.
Genomic context (GRCh38, chr11:45,811,087, plus strand): 5'-AGTGCCCACTTCTGGGGGATGATGACGCTGGGCGGCCTGTTTGGCTTTGCCATCGGCTAC[G>A]TGACAGGACTGCAGATCAAGTTCACCAGTCCGCTGACCCACAATGTGTCGGGCACGGCCA-3'
Protein context (NP_060859.4, residues 273-293): GGLFGFAIGY[Val283Met]TGLQIKFTSP

ClinVar aggregate classification (germline): Uncertain significance. Review status: criteria provided, multiple submitters, no conflicts (2 of 4 stars). 2 submissions from 2 submitters: Uncertain significance (2). Last evaluated 2026-02-01.

Conditions:
Leukocyte adhesion deficiency type II. Also called: CONGENITAL DISORDER OF GLYCOSYLATION, TYPE IIc; CDG IIc; Congenital disorder of glycosylation type 2C; CDG 2C; Leukocyte adhesion deficiency type 2; Rambam Hasharon syndrome. Identifiers: Orphanet 2968, Orphanet 99843, MedGen C0398739, MONDO:0009953, OMIM 266265.

Allele frequency attached by ClinVar (database versions not stated): ExAC 0.00001; gnomAD exomes 0.00001; gnomAD 0.00003; TOPMed 0.00003.
gnomAD v4.1: 17 of 1,613,126 alleles (0.0011%); highest among the groups gnomAD compares: South Asian, 0.0044%; no homozygotes.

Submissions (2):

Labcorp Genetics (formerly Invitae), Labcorp
Classification: Uncertain significance for Leukocyte adhesion deficiency type II. Last evaluated: 2026-02-01. Review status: criteria provided, single submitter. Criteria: Invitae Variant Classification Sherloc (09022015). Collection method: clinical testing. Allele origin: germline.
Comment: This sequence change replaces valine, which is neutral and non-polar, with methionine, which is neutral and non-polar, at codon 283 of the SLC35C1 protein (p.Val283Met). This variant is present in population databases (rs763091981, gnomAD 0.006%). This variant has not been reported in the literature in individuals affected with SLC35C1-related conditions. ClinVar contains an entry for this variant (Variation ID: 2428634). Invitae Evidence Modeling of protein sequence and biophysical properties (such as structural, functional, and spatial information, amino acid conservation, physicochemical variation, residue mobility, and thermodynamic stability) indicates that this missense variant is not expected to disrupt SLC35C1 protein function with a negative predictive value of 80%. In summary, the available evidence is currently insufficient to determine the role of this variant in disease. Therefore, it has been classified as a Variant of Uncertain Significance.

ARUP Laboratories, Molecular Genetics and Genomics, ARUP Laboratories
Classification: Uncertain significance for Leukocyte adhesion deficiency type II. Last evaluated: 2022-10-21. Review status: criteria provided, single submitter. Criteria: ARUP Molecular Germline Variant Investigation Process 2021. Collection method: clinical testing. Allele origin: germline.